The following is an entry in ClinVar:

ClinVar aggregate classification (germline): Uncertain significance (1 of 4 stars; one submission).

Submission:

Labcorp Genetics (formerly Invitae), Labcorp
Classification: Uncertain significance. Last evaluated: 2024-05-29. Review status: criteria provided, single submitter. Criteria: Invitae Variant Classification Sherloc (09022015). Collection method: clinical testing. Allele origin: germline.
Comment: This sequence change replaces alanine, which is neutral and non-polar, with serine, which is neutral and polar, at codon 422 of the POC5 protein (p.Ala422Ser). This variant is not present in population databases (gnomAD no frequency). This variant has not been reported in the literature in individuals affected with POC5-related conditions. An algorithm developed to predict the effect of missense changes on protein structure and function (PolyPhen-2) suggests that this variant is likely to be disruptive. In summary, the available evidence is currently insufficient to determine the role of this variant in disease. Therefore, it has been classified as a Variant of Uncertain Significance.

NM_001099271.2(POC5):c.1264G>T (p.Ala422Ser)

Gene: POC5 (POC5 centriolar protein; minus strand). Cytogenetic location: 5q13.3.
Variant type: single nucleotide variant.
Coding change: c.1264G>T on transcript NM_001099271.2 (MANE Select); coding-DNA position 1264, G replaced by T.
Protein change: p.Ala422Ser; replaces alanine 422 with serine.
Molecular consequence: missense variant.
Genome position (GRCh38, 1-based): chr5:75,685,350, C>A on the plus strand (G>T on the coding strand, the complement: POC5 is on the minus strand). VCF-style: chr5-75685350-C-A. GRCh37 (hg19) VCF-style: chr5-74981175-C-A.
Other names: c.1189G>T, p.Ala397Ser (NM_152408.3); short protein forms A397S, A422S.
Identifiers: ClinVar variation 3693610 (VCV003693610.2).
Genomic context (GRCh38, chr5:75,685,350, plus strand): 5'-TGGTAGAAGTCATCGAAGCAGCTGAGGGAACGGCAGTCGCGCTGGCTCCTCCGACGGCGG[C>A]TGGTGGGGATGGCAGCAGTGGTGATGTAACTGGTAAGGGCATCGGAGGAGCTGAAGGATC-3'
Protein context (NP_001092741.1, residues 412-432): VTSPLLPSPP[Ala422Ser]AVGGASATAV